The following is an entry in ClinVar:

ClinVar aggregate classification (germline): Conflicting classifications of pathogenicity. Review status: criteria provided, conflicting classifications (1 of 4 stars). 3 submissions from 3 submitters: Uncertain significance (2); Likely benign (1). Last evaluated 2025-05-06.

Conditions:
Inborn genetic diseases. Identifiers: MedGen C0950123, MeSH D030342.

Allele frequency attached by ClinVar (database versions not stated): ExAC 0.00010; ESP Exome Variant Server 0.00015; gnomAD exomes 0.00011; gnomAD 0.00015; TOPMed 0.00015; 1000 Genomes Project 0.00020; 1000 Genomes Project 30x 0.00031.
gnomAD v4.1: 183 of 1,614,014 alleles (0.011%); highest among the groups gnomAD compares: Middle Eastern, 0.066%; no homozygotes.

Submissions (3):

Ambry Genetics
Classification: Uncertain significance for Inborn genetic diseases. Last evaluated: 2025-05-06. Review status: criteria provided, single submitter. Criteria: Ambry Variant Classification Scheme 2023. Collection method: clinical testing. Allele origin: germline.

Laboratory of Genetics, Children's Clinical University Hospital Latvia
Classification: Likely benign. Last evaluated: 2025-02-16. Review status: criteria provided, single submitter. Criteria: ACMG Guidelines, 2015. Collection method: clinical testing. Allele origin: germline. Affected: yes.

Labcorp Genetics (formerly Invitae), Labcorp
Classification: Uncertain significance. Last evaluated: 2022-08-16. Review status: criteria provided, single submitter. Criteria: Invitae Variant Classification Sherloc (09022015). Collection method: clinical testing. Allele origin: germline.
Comment: In summary, the available evidence is currently insufficient to determine the role of this variant in disease. Therefore, it has been classified as a Variant of Uncertain Significance. Algorithms developed to predict the effect of missense changes on protein structure and function (SIFT, PolyPhen-2, Align-GVGD) all suggest that this variant is likely to be disruptive. This variant has not been reported in the literature in individuals affected with ZEB1-related conditions. This variant is present in population databases (rs143370284, gnomAD 0.02%). This sequence change replaces threonine, which is neutral and polar, with proline, which is neutral and non-polar, at codon 890 of the ZEB1 protein (p.Thr890Pro).

NM_001174096.2(ZEB1):c.2671A>C (p.Thr891Pro)

Gene: ZEB1 (zinc finger E-box binding homeobox 1; plus strand). Cytogenetic location: 10p11.22.
Variant type: single nucleotide variant.
Coding change: c.2671A>C on transcript NM_001174096.2 (MANE Select); coding-DNA position 2671, A replaced by C.
Protein change: p.Thr891Pro; replaces threonine 891 with proline.
Molecular consequence: missense variant.
Genome position (GRCh38, 1-based): chr10:31,523,999, A>C. VCF-style: chr10-31523999-A-C. GRCh37 (hg19) VCF-style: chr10-31812927-A-C.
Other names: c.2620A>C, p.Thr874Pro (NM_001128128.3); c.2014A>C, p.Thr672Pro (NM_001323646.2, NM_001323647.2, NM_001323648.2 and 27 more transcripts); c.2446A>C, p.Thr816Pro (NM_001323674.2); c.2404A>C, p.Thr802Pro (NM_001323675.2); c.2629A>C, p.Thr877Pro (NM_001323676.2); c.2626A>C, p.Thr876Pro (NM_001323677.2); c.2608A>C, p.Thr870Pro (NM_001174093.2); c.2617A>C, p.Thr873Pro (NM_001174094.2); and 4 more; short protein forms T823P, T874P, T672P, T799P, T816P, T873P, T877P, T890P.
Identifiers: ClinVar variation 2059853 (VCV002059853.8), dbSNP rs143370284, ClinGen allele CA5461834.